The following is an entry in ClinVar:

NM_001042492.3(NF1):c.4915T>A (p.Tyr1639Asn)

Gene: NF1 (neurofibromin 1; plus strand). Cytogenetic location: 17q11.2.
Variant type: single nucleotide variant.
Coding change: c.4915T>A on transcript NM_001042492.3 (MANE Select); coding-DNA position 4915, T replaced by A.
Protein change: p.Tyr1639Asn; replaces tyrosine 1639 with asparagine.
Molecular consequence: missense variant.
Genome position (GRCh38, 1-based): chr17:31,325,899, T>A. VCF-style: chr17-31325899-T-A. GRCh37 (hg19) VCF-style: chr17-29652917-T-A.
Other names: c.4852T>A, p.Tyr1618Asn (NM_000267.4); short protein forms Y1618N, Y1639N.
Identifiers: ClinVar variation 1055262 (VCV001055262.5), dbSNP rs2151537742, ClinGen allele CA399007097.

ClinVar aggregate classification (germline): Pathogenic (1 of 4 stars; one submission).

Conditions:
Neurofibromatosis, type 1 (NF1). Also called: Peripheral type neurofibromatosis; Neurofibromatosis, type I; VON RECKLINGHAUSEN DISEASE; NEUROFIBROMATOSIS, TYPE I, SOMATIC. Identifiers: Orphanet 636, MedGen C0027831, MONDO:0018975, OMIM 162200. Disease mechanism: loss of function.

Submission:

Labcorp Genetics (formerly Invitae), Labcorp
Classification: Pathogenic for Neurofibromatosis, type 1. Last evaluated: 2021-09-28. Review status: criteria provided, single submitter. Criteria: Invitae Variant Classification Sherloc (09022015). Collection method: clinical testing. Allele origin: germline.
Comment: This sequence change replaces tyrosine with asparagine at codon 1618 of the NF1 protein (p.Tyr1618Asn). The tyrosine residue is moderately conserved and there is a large physicochemical difference between tyrosine and asparagine. For these reasons, this variant has been classified as Pathogenic. Advanced modeling of protein sequence and biophysical properties (such as structural, functional, and spatial information, amino acid conservation, physicochemical variation, residue mobility, and thermodynamic stability) performed at Invitae indicates that this missense variant is expected to disrupt NF1 protein function. ClinVar contains an entry for this variant (Variation ID: 1055262). This missense change has been observed in individual(s) with clinical features of NF1-related conditions (Invitae). In at least one individual the variant was observed to be de novo. This variant is not present in population databases (ExAC no frequency).